The following is an entry in ClinVar:

NM_001348716.2(KDM6B):c.1519G>A (p.Gly507Arg)

Gene: KDM6B (lysine demethylase 6B; plus strand). Cytogenetic location: 17p13.1.
Variant type: single nucleotide variant.
Coding change: c.1519G>A on transcript NM_001348716.2 (MANE Select); coding-DNA position 1519, G replaced by A.
Protein change: p.Gly507Arg; replaces glycine 507 with arginine.
Molecular consequence: missense variant.
Genome position (GRCh38, 1-based): chr17:7,847,807, G>A. VCF-style: chr17-7847807-G-A. GRCh37 (hg19) VCF-style: chr17-7751125-G-A.
Other names: c.1519G>A, p.Gly507Arg (NM_001080424.2); short protein forms G507R.
Identifiers: ClinVar variation 4057164 (VCV004057164.1).

ClinVar aggregate classification (germline): Uncertain significance (1 of 4 stars; one submission).

Submission:

GeneDx
Classification: Uncertain significance. Last evaluated: 2025-01-13. Review status: criteria provided, single submitter. Criteria: GeneDx Variant Classification Process June 2021. Collection method: clinical testing. Allele origin: germline. Affected: yes.
Comment: Not observed at significant frequency in large population cohorts (gnomAD); In silico analysis indicates that this missense variant does not alter protein structure/function; Has not been previously published as pathogenic or benign to our knowledge